The following is an entry in ClinVar:

NM_021930.6(RINT1):c.89G>T (p.Ser30Ile)

Gene: RINT1 (RAD50 interactor 1; plus strand). Cytogenetic location: 7q22.3.
Variant type: single nucleotide variant.
Coding change: c.89G>T on transcript NM_021930.6 (MANE Select); coding-DNA position 89, G replaced by T.
Protein change: p.Ser30Ile; replaces serine 30 with isoleucine.
Molecular consequence: missense variant. On other transcripts: 5 prime UTR variant (4), non-coding transcript variant (1).
Genome position (GRCh38, 1-based): chr7:105,536,565, G>T. VCF-style: chr7-105536565-G-T. GRCh37 (hg19) VCF-style: chr7-105177012-G-T.
Other names: c.-9G>T (NM_001346599.2); c.-931G>T (NM_001346600.2); c.-834G>T (NM_001346601.2); c.-454G>T (NM_001346603.2); short protein forms S30I.
Identifiers: ClinVar variation 3314490 (VCV003314490.1).

ClinVar aggregate classification (germline): Uncertain significance (1 of 4 stars; one submission).

gnomAD v4.1: 2 of 1,574,322 alleles (0.00013%); highest among the groups gnomAD compares: South Asian, 0.0012%; no homozygotes.

Submission:

Ambry Genetics
Classification: Uncertain significance. Last evaluated: 2024-06-23. Review status: criteria provided, single submitter. Criteria: Ambry Variant Classification Scheme 2023. Collection method: clinical testing. Allele origin: germline.
Comment: The p.S30I variant (also known as c.89G>T) is located in coding exon 3 of the RINT1 gene. The serine at codon 30 is replaced by isoleucine, an amino acid with dissimilar properties. This change occurs in the first base pair of coding exon 3. This amino acid position is conserved. In addition, this alteration is predicted to be tolerated by in silico analysis. Based on the available evidence, the clinical significance of this variant remains unclear.